The following is an entry in ClinVar:

NM_001286611.2(REPS1):c.483A>C (p.Ala161=)

Gene: REPS1 (RALBP1 associated Eps domain containing 1; minus strand). Cytogenetic location: 6q24.1.
Variant type: single nucleotide variant.
Coding change: c.483A>C on transcript NM_001286611.2 (MANE Select); coding-DNA position 483, A replaced by C.
Protein change: p.Ala161=; no amino-acid change (alanine 161 retained).
Molecular consequence: synonymous variant.
Genome position (GRCh38, 1-based): chr6:138,945,364, T>G on the plus strand (A>C on the coding strand, the complement: REPS1 is on the minus strand). VCF-style: chr6-138945364-T-G. GRCh37 (hg19) VCF-style: chr6-139266501-T-G.
Other names: c.483A>C, p.Ala161= (NM_001128617.3, NM_001286612.2, NM_031922.5).
Identifiers: ClinVar variation 715000 (VCV000715000.12), dbSNP rs112636237, ClinGen allele CA4024438.
Genomic context (GRCh38, chr6:138,945,364, plus strand): 5'-GTGCTTCCTCCATGTGTGTGGAGAAGTTGGTGGGGATTGCTGTGGTGAAACTACTGGGGA[T>G]GCAGGTTCCTAGAAAAGAATATTATTTTAAAATTTTAACTTTAAGGAGACATTTTAATTA-3'
Protein context (NP_001273540.1, residues 151-171): PRTSADAQEP[Ala161=]SPVVSPQQSP

ClinVar aggregate classification (germline): Benign. Review status: criteria provided, single submitter (1 of 4 stars). 2 submissions from 2 submitters: Benign (1). 1 of the submissions does not count toward it. Last evaluated 2025-12-08.

Conditions:
REPS1-related disorder. Also called: REPS1-related condition.

Allele frequency attached by ClinVar (database versions not stated): gnomAD exomes 0.00025 and 0.00058; ExAC 0.00068; 1000 Genomes Project 30x 0.00172; 1000 Genomes Project 0.00180; gnomAD 0.00210 and 0.00226; ESP Exome Variant Server 0.00238; TOPMed 0.00260.

Submissions (2):

Labcorp Genetics (formerly Invitae), Labcorp
Classification: Benign. Last evaluated: 2025-12-08. Review status: criteria provided, single submitter. Criteria: Invitae Variant Classification Sherloc (09022015). Collection method: clinical testing. Allele origin: germline.

PreventionGenetics, part of Exact Sciences
Classification: Benign for REPS1-related condition. Last evaluated: 2019-07-03. Review status: no assertion criteria provided. Collection method: clinical testing. Allele origin: germline. Not counted in ClinVar's aggregate classification.
Comment: This variant is classified as benign based on ACMG/AMP sequence variant interpretation guidelines (Richards et al. 2015 PMID: 25741868, with internal and published modifications).